The following is an entry in ClinVar:

ClinVar aggregate classification (germline): Pathogenic/Likely pathogenic. Review status: criteria provided, multiple submitters, no conflicts (2 of 4 stars). 7 submissions from 7 submitters: Pathogenic (4); Likely pathogenic (3). Last evaluated 2026-04-12.

Conditions:
Neurodevelopmental disorder. Identifiers: MedGen C1535926, MeSH D065886, MONDO:0700092.
CBL-related disorder. Also called: NOONAN SYNDROME-LIKE DISORDER WITHOUT JUVENILE MYELOMONOCYTIC LEUKEMIA; CBL MUTATION-ASSOCIATED SYNDROME; CBL SYNDROME. Identifiers: Orphanet 363972, MedGen C3150803, MONDO:0013308, OMIM 613563.
RASopathy. Also called: rasopathies; Noonan spectrum disorder. Identifiers: Orphanet 536391, MedGen C5555857, MONDO:0021060.
Noonan syndrome 1 (NS1). Also called: FEMALE PSEUDO-TURNER SYNDROME; TURNER PHENOTYPE WITH NORMAL KARYOTYPE; PTPN11-Related Noonan Syndrome. Identifiers: Orphanet 648, MedGen C4551602, MONDO:0008104, OMIM 163950. Disease mechanism: gain of function.

gnomAD v4.1: 1 of 1,602,366 alleles (0.000062%); highest among the groups gnomAD compares: Non-Finnish European, 0.000086%; no homozygotes.

Submissions (7):

Dasa
Classification: Pathogenic. Last evaluated: 2026-04-12. Review status: criteria provided, single submitter. Criteria: DASA Assertion Criteria. Collection method: clinical testing. Allele origin: germline.
Comment: NM_005188.4(CBL):c.1111T>A (p.Tyr371Asn) is a missense variant that results in the substitution of tyrosine with asparagine. The affected residue or protein region has prior evidence supporting clinical relevance. De novo occurrence has been reported in an individual with related phenotype. This variant has been recurrently observed in individuals with related phenotype (PMID: 28343148; PMID: 25952305; PMID: 20694012; PMID: 33057194; PMID: 34358384). Multiple computational predictions support a deleterious effect on the gene or gene product. The variant is present at low frequency in population datasets. Based on the available data, this variant is classified as pathogenic.

Women's Health and Genetics/Laboratory Corporation of America, LabCorp
Classification: Pathogenic for CBL-related disorder. Last evaluated: 2025-11-09. Review status: criteria provided, single submitter. Criteria: LabCorp Variant Classification Summary - May 2015. Collection method: clinical testing. Allele origin: germline.
Comment: Variant summary: CBL c.1111T>A (p.Tyr371Asn) results in a non-conservative amino acid change located in the E3 ubiquitin-protein ligase CBL-B, RING finger, HC subclass domain of the encoded protein sequence. Algorithms developed to predict the effect of missense changes on protein structure and function all suggest that this variant is likely to be disruptive. The variant was absent in 250954 control chromosomes. c.1111T>A has been observed in individual(s) affected with Noonan Syndrome-Like Disorder including one de novo case. These data indicate that the variant may be associated with disease. The following publications have been ascertained in the context of this evaluation (PMID: 28343148, 33057194). ClinVar contains an entry for this variant (Variation ID: 180827). Other variants impacting this codon (p.Tyr371Asp, p.Tyr371His, p.Tyr371Phe, p.Tyr371Ser, p.Tyr371Cys) have been reported as pathogenic. Based on the evidence outlined above, the variant was classified as pathogenic.

Labcorp Genetics (formerly Invitae), Labcorp
Classification: Likely pathogenic for RASopathy. Last evaluated: 2025-03-27. Review status: criteria provided, single submitter. Criteria: Invitae Variant Classification Sherloc (09022015). Collection method: clinical testing. Allele origin: germline.
Comment: This sequence change replaces tyrosine, which is neutral and polar, with asparagine, which is neutral and polar, at codon 371 of the CBL protein (p.Tyr371Asn). This variant is not present in population databases (gnomAD no frequency). This missense change has been observed in individual(s) with cerebral arteriopathy and/or juvenile myelomonocytic leukemia (PMID: 20694012, 28343148). ClinVar contains an entry for this variant (Variation ID: 180827). Invitae Evidence Modeling of protein sequence and biophysical properties (such as structural, functional, and spatial information, amino acid conservation, physicochemical variation, residue mobility, and thermodynamic stability) indicates that this missense variant is expected to disrupt CBL protein function with a positive predictive value of 95%. This variant disrupts the p.Tyr371 amino acid residue in CBL. Other variant(s) that disrupt this residue have been determined to be pathogenic (PMID: 20543203, 20694012, 25283271, 25952305, 28414188). This suggests that this residue is clinically significant, and that variants that disrupt this residue are likely to be disease-causing. In summary, the currently available evidence indicates that the variant is pathogenic, but additional data are needed to prove that conclusively. Therefore, this variant has been classified as Likely Pathogenic.

Laboratory of Molecular Genetics (Pr. Bezieau's lab), CHU de Nantes
Classification: Pathogenic for Neurodevelopmental disorder. Last evaluated: 2022-06-08. Review status: criteria provided, single submitter. Criteria: ACMG Guidelines, 2015. Collection method: clinical testing. Allele origin: germline. Affected: yes.

Greenwood Genetic Center Diagnostic Laboratories, Greenwood Genetic Center
Classification: Likely pathogenic for CBL-related disorder. Last evaluated: 2021-08-02. Review status: criteria provided, single submitter. Criteria: ACMG Guidelines, 2015. Collection method: clinical testing. Allele origin: germline. Affected: yes.
Comment: PS2, PM2, PM5

ARUP Laboratories, Molecular Genetics and Genomics, ARUP Laboratories
Classification: Likely pathogenic. Last evaluated: 2017-02-02. Review status: criteria provided, single submitter. Criteria: ARUP Molecular Germline Variant Investigation Process. Collection method: clinical testing. Allele origin: germline.

Institute for Genomic Statistics and Bioinformatics, University Hospital Bonn
Classification: Pathogenic for Noonan syndrome 1. Review status: criteria provided, single submitter. Criteria: ACMG Guidelines, 2015. Collection method: clinical testing. Allele origin: unknown. Affected: yes. Observed: 1 variant allele.

Literature cited by the submitters: PubMed 28343148 (cited by 3 submitters); PubMed 25952305 (cited by Dasa and Labcorp Genetics (formerly Invitae), Labcorp); PubMed 20694012 (cited by 3 submitters); PubMed 33057194 (cited by Dasa and Women's Health and Genetics/Laboratory Corporation of America, LabCorp); PubMed 34358384 (cited by Dasa); PubMed 25224413 (cited by Women's Health and Genetics/Laboratory Corporation of America, LabCorp); PubMed 21828135 (cited by Women's Health and Genetics/Laboratory Corporation of America, LabCorp); PubMed 23690417 (cited by Women's Health and Genetics/Laboratory Corporation of America, LabCorp); PubMed 19387008 (cited by Women's Health and Genetics/Laboratory Corporation of America, LabCorp); PubMed 19901108 (cited by Women's Health and Genetics/Laboratory Corporation of America, LabCorp); PubMed 20951944 (cited by Women's Health and Genetics/Laboratory Corporation of America, LabCorp); PubMed 19620960 (cited by Women's Health and Genetics/Laboratory Corporation of America, LabCorp); PubMed 22733026 (cited by Women's Health and Genetics/Laboratory Corporation of America, LabCorp); PubMed 29296819 (cited by Women's Health and Genetics/Laboratory Corporation of America, LabCorp); PubMed 20619386 (cited by Women's Health and Genetics/Laboratory Corporation of America, LabCorp); PubMed 23010802 (cited by Women's Health and Genetics/Laboratory Corporation of America, LabCorp); PubMed 23696637 (cited by Women's Health and Genetics/Laboratory Corporation of America, LabCorp); PubMed 27069254 (cited by Women's Health and Genetics/Laboratory Corporation of America, LabCorp); PubMed 20543203 (cited by Labcorp Genetics (formerly Invitae), Labcorp); PubMed 25283271 (cited by Labcorp Genetics (formerly Invitae), Labcorp); PubMed 28414188 (cited by Labcorp Genetics (formerly Invitae), Labcorp).

NM_005188.4(CBL):c.1111T>A (p.Tyr371Asn)

Gene: CBL (Cbl proto-oncogene; plus strand). Cytogenetic location: 11q23.3.
Variant type: single nucleotide variant.
Coding change: c.1111T>A on transcript NM_005188.4 (MANE Select); coding-DNA position 1111, T replaced by A.
Protein change: p.Tyr371Asn; replaces tyrosine 371 with asparagine.
Molecular consequence: missense variant.
Genome position (GRCh38, 1-based): chr11:119,278,181, T>A. VCF-style: chr11-119278181-T-A. GRCh37 (hg19) VCF-style: chr11-119148891-T-A.
Other names: short protein forms Y371N.
Identifiers: ClinVar variation 180827 (VCV000180827.19), dbSNP rs267606706, ClinGen allele CA296015.